The following is an entry in ClinVar:

ClinVar aggregate classification (germline): Uncertain significance (0 of 4 stars; one submission).

Conditions:
PSMB9-related disorder. Also called: PSMB9-related condition.

Submission:

PreventionGenetics, part of Exact Sciences
Classification: Uncertain significance for PSMB9-related condition. Last evaluated: 2024-06-28. Review status: no assertion criteria provided. Collection method: clinical testing. Allele origin: germline.
Comment: The PSMB9 c.170T>C variant is predicted to result in the amino acid substitution p.Leu57Pro. To our knowledge, this variant has not been reported in the literature or in a large population database, indicating this variant is rare. At this time, the clinical significance of this variant is uncertain due to the absence of conclusive functional and genetic evidence.

NM_002800.5(PSMB9):c.170T>C (p.Leu57Pro)

Gene: PSMB9 (proteasome 20S subunit beta 9; plus strand). Cytogenetic location: 6p21.32.
Variant type: single nucleotide variant.
Coding change: c.170T>C on transcript NM_002800.5 (MANE Select); coding-DNA position 170, T replaced by C.
Protein change: p.Leu57Pro; replaces leucine 57 with proline.
Molecular consequence: missense variant.
Genome position (GRCh38, 1-based): chr6:32,857,304, T>C. VCF-style: chr6-32857304-T-C. GRCh37 (hg19) VCF-style: chr6-32825081-T-C.
Other names: short protein forms L57P.
Identifiers: ClinVar variation 3358477 (VCV003358477.1).
Genomic context (GRCh38, chr6:32,857,304, plus strand): 5'-GTTGACTCCCTCCTGACAGCGAGGCGGTGGTGAACCGAGTGTTTGACAAGCTGTCCCCGC[T>C]GCACGAGCGCATCTACTGTGCACTCTCTGGTTCAGCTGCTGATGCCCAAGCCGTGGCCGA-3'
Protein context (NP_002791.1, residues 47-67): VNRVFDKLSP[Leu57Pro]HERIYCALSG